The following is an entry in ClinVar:

ClinVar aggregate classification (germline): Conflicting classifications of pathogenicity. Review status: criteria provided, conflicting classifications (1 of 4 stars). 2 submissions from 2 submitters: Likely pathogenic (1); Uncertain significance (1). Last evaluated 2023-07-24.

Conditions:
RDH12-related disorder. Also called: RDH12-related condition; RDH12-related disorders.
Leber congenital amaurosis (LCA). Also called: Leber's amaurosis. Identifiers: Orphanet 65, MedGen C0339527, MeSH D057130, MONDO:0018998.

Allele frequency attached by ClinVar (database versions not stated): gnomAD exomes below 0.00001.
gnomAD v4.1: 1 of 1,613,810 alleles (0.000062%); highest among the groups gnomAD compares: Non-Finnish European, 0.000085%; no homozygotes.

Submissions (2):

Ophthalmic Genetics Group, Institute of Molecular and Clinical Ophthalmology Basel
Classification: Uncertain significance for Leber congenital amaurosis. Last evaluated: 2023-07-24. Review status: criteria provided, single submitter. Criteria: ACMG Guidelines, 2015. Collection method: research. Allele origin: germline. Affected: yes. Observed: 1 variant allele.
Comment: Clinical significance based on ACMG v2.0

This variant was classified as Uncertain significance based on ACMG criteria: PM2, PVS1.

Blueprint Genetics
Classification: Likely pathogenic for RDH12-related disorders. Last evaluated: 2020-01-16. Review status: criteria provided, single submitter. Criteria: ACMG Guidelines, 2015. Collection method: clinical testing. Allele origin: germline. Affected: yes. Observed: 1 variant allele.

Literature cited by the submitters: PubMed 36909829 (cited by Ophthalmic Genetics Group, Institute of Molecular and Clinical Ophthalmology Basel).

NM_152443.3(RDH12):c.2T>C (p.Met1Thr)

Genes: GPHN (gephyrin; plus strand), RDH12 (retinol dehydrogenase 12; plus strand). Cytogenetic location: 14q24.1.
Variant type: single nucleotide variant.
Coding change: c.2T>C on transcript NM_152443.3 (MANE Select); coding-DNA position 2, T replaced by C.
Protein change: p.Met1Thr; changes the start codon (methionine 1).
Molecular consequence: missense variant, initiator codon variant.
Genome position (GRCh38, 1-based): chr14:67,722,644, T>C. VCF-style: chr14-67722644-T-C. GRCh37 (hg19) VCF-style: chr14-68189361-T-C.
Other names: NC_000014.8:g.68189361T>C; NP_689656.2:p.(Met1?); short protein forms M1T.
Identifiers: ClinVar variation 2577490 (VCV002577490.3), dbSNP rs2503779888, ClinGen allele CA390146213.
Genomic context (GRCh38, chr14:67,722,644, plus strand): 5'-GAGCTGGGGTTGAAGCTGGAGCAGCAGCAAAAGCAACAGCAGCTACAGAAGTTGGAACGA[T>C]GCTGGTCACCTTGGGACTGCTCACCTCCTTCTTCTCGTTCCTGTATATGGTAGCTCCATC-3'
Protein context (NP_689656.2, residues 1-11): [Met1Thr]LVTLGLLTSF